The following is an entry in ClinVar:

NM_007194.4(CHEK2):c.875_876del (p.Phe291_Phe292insTer)

Gene: CHEK2 (checkpoint kinase 2; minus strand). Cytogenetic location: 22q12.1.
Variant type: Deletion.
Coding change: c.875_876del on transcript NM_007194.4 (MANE Select); coding-DNA positions 875 to 876, 2 bases deleted (TT; older notation c.875_876delTT).
Protein change: p.Phe291_Phe292insTer.
Molecular consequence: nonsense. On other transcripts: frameshift variant (4).
Genome position (GRCh38, 1-based): chr22:28,703,537-28,703,538, AA deleted on the plus strand (TT on the coding strand, the reverse complement: CHEK2 is on the minus strand); deleting any 2 consecutive bases within chr22:28,703,537-28,703,542 gives the same sequence; the c. name uses the placement nearest the transcript's 3' end. VCF-style (leftmost placement, unchanged base first): chr22-28703536-CAA-C. GRCh37 (hg19) VCF-style: chr22-29099524-CAA-C.
Other names: c.1000_1001delTT, p.Phe335Terfs (NM_001005735.3); c.208_209delTT, p.Phe71Terfs (NM_001257387.3); c.670_671delTT, p.Phe225Terfs (NM_001349956.3); c.871_872delTT, p.Phe292Terfs (NM_145862.3).
Identifiers: ClinVar variation 231395 (VCV000231395.30), dbSNP rs772683219, ClinGen allele CA10581069.

ClinVar aggregate classification (germline): Pathogenic. Review status: criteria provided, multiple submitters, no conflicts (2 of 4 stars). 5 submissions from 5 submitters: Pathogenic (5). Last evaluated 2025-05-23.

Conditions:
Hereditary cancer-predisposing syndrome. Also called: Neoplastic Syndromes, Hereditary; Hereditary Cancer Syndrome; Tumor predisposition; Hereditary neoplastic syndrome. Identifiers: Orphanet 140162, MedGen C0027672, MeSH D009386, MONDO:0015356.
Familial cancer of breast. Also called: Hereditary breast cancer; hereditary breast carcinoma; BREAST CANCER, FAMILIAL. Identifiers: Orphanet 227535, MedGen C0346153, MONDO:0016419, OMIM 114480. Disease mechanism: loss of function.

Submissions (5):

Labcorp Genetics (formerly Invitae), Labcorp
Classification: Pathogenic for Familial cancer of breast. Last evaluated: 2025-05-23. Review status: criteria provided, single submitter. Criteria: Invitae Variant Classification Sherloc (09022015). Collection method: clinical testing. Allele origin: germline.
Comment: This sequence change creates a premature translational stop signal (p.Phe292*) in the CHEK2 gene. It is expected to result in an absent or disrupted protein product. Loss-of-function variants in CHEK2 are known to be pathogenic (PMID: 21876083, 24713400). This variant is not present in population databases (gnomAD no frequency). This variant has not been reported in the literature in individuals affected with CHEK2-related conditions. ClinVar contains an entry for this variant (Variation ID: 231395). For these reasons, this variant has been classified as Pathogenic.

CeGaT Center for Human Genetics Tuebingen
Classification: Pathogenic. Last evaluated: 2024-08-01. Review status: criteria provided, single submitter. Criteria: CeGaT Center For Human Genetics Tuebingen Variant Classification Criteria Version 2. Collection method: clinical testing. Allele origin: germline. Affected: yes. Observed: 1 variant allele.
Comment: CHEK2: PVS1, PM2:Supporting, PS4:Supporting

Myriad Genetics, Inc.
Classification: Pathogenic for Familial cancer of breast. Last evaluated: 2023-06-27. Review status: criteria provided, single submitter. Criteria: Myriad Autosomal Dominant, Autosomal Recessive and X-Linked Classification Criteria (2023). Collection method: clinical testing. Allele origin: unknown.
Comment: This variant is considered pathogenic. This variant creates a termination codon and is predicted to result in premature protein truncation.

Ambry Genetics
Classification: Pathogenic for Hereditary cancer-predisposing syndrome. Last evaluated: 2019-07-10. Review status: criteria provided, single submitter. Criteria: Ambry Variant Classification Scheme 2023. Collection method: clinical testing. Allele origin: germline.
Comment: The c.875_876delTT pathogenic mutation, located in coding exon 7 of the CHEK2 gene, results from a deletion of two nucleotides at nucleotide positions 875 to 876, causing a translational frameshift with a predicted alternate stop codon (p.F292*). This alteration is expected to result in loss of function by premature protein truncation or nonsense-mediated mRNA decay. As such, this alteration is interpreted as a disease-causing mutation.

GeneDx
Classification: Pathogenic. Last evaluated: 2018-09-12. Review status: criteria provided, single submitter. Criteria: GeneDx Variant Classification (06012015). Collection method: clinical testing. Allele origin: germline. Affected: yes.
Comment: This deletion of two nucleotides is denoted CHEK2 c.875_876delTT at the cDNA level and p.Phe292Ter (F292X) at the protein level. The normal sequence, with the bases that are deleted in brackets, is CTTTT[delTT]GATG. The deletion creates a nonsense variant, which changes a Phenylalanine to a premature stop codon. Although this variant has not, to our knowledge, been reported in the literature, it is predicted to cause loss of normal protein function through either protein truncation or nonsense-mediated mRNA decay. We consider this variant to be pathogenic.

Literature cited by the submitters: PubMed 21876083 (cited by Labcorp Genetics (formerly Invitae), Labcorp); PubMed 24713400 (cited by Labcorp Genetics (formerly Invitae), Labcorp).